The following is an entry in ClinVar:

ClinVar aggregate classification (germline): Uncertain significance (1 of 4 stars; one submission).

gnomAD v4.1: 1 of 1,587,740 alleles (0.000063%); highest among the groups gnomAD compares: Non-Finnish European, 0.000086%; no homozygotes.

Submission:

GeneDx
Classification: Uncertain significance. Last evaluated: 2024-10-18. Review status: criteria provided, single submitter. Criteria: GeneDx Variant Classification Process June 2021. Collection method: clinical testing. Allele origin: germline. Affected: yes.
Comment: Not observed at significant frequency in large population cohorts (gnomAD); In silico analysis supports that this missense variant has a deleterious effect on protein structure/function; Has not been previously published as pathogenic or benign to our knowledge

NM_002430.3(MN1):c.1256T>C (p.Met419Thr)

Gene: MN1 (MN1 proto-oncogene, transcriptional regulator; minus strand). Cytogenetic location: 22q12.1.
Variant type: single nucleotide variant.
Coding change: c.1256T>C on transcript NM_002430.3 (MANE Select); coding-DNA position 1256, T replaced by C.
Protein change: p.Met419Thr; replaces methionine 419 with threonine.
Molecular consequence: missense variant.
Genome position (GRCh38, 1-based): chr22:27,799,288, A>G on the plus strand (T>C on the coding strand, the complement: MN1 is on the minus strand). VCF-style: chr22-27799288-A-G. GRCh37 (hg19) VCF-style: chr22-28195276-A-G.
Other names: short protein forms M419T.
Identifiers: ClinVar variation 3781278 (VCV003781278.1).